The following is an entry in ClinVar:

ClinVar aggregate classification (germline): Uncertain significance (1 of 4 stars; one submission).

Conditions:
Cardiovascular phenotype. Identifiers: MedGen CN230736.

Submission:

Ambry Genetics
Classification: Uncertain significance for Cardiovascular phenotype. Last evaluated: 2026-03-12. Review status: criteria provided, single submitter. Criteria: Ambry Variant Classification Scheme 2023. Collection method: clinical testing. Allele origin: germline.
Comment: The p.F169L variant (also known as c.507T>A), located in coding exon 3 of the CBL gene, results from a T to A substitution at nucleotide position 507. The phenylalanine at codon 169 is replaced by leucine, an amino acid with highly similar properties. This amino acid position is conserved. In addition, this alteration is predicted to be deleterious by in silico analysis. Based on the available evidence, the clinical significance of this variant remains unclear.

NM_005188.4(CBL):c.507T>A (p.Phe169Leu)

Gene: CBL (Cbl proto-oncogene; plus strand). Cytogenetic location: 11q23.3.
Variant type: single nucleotide variant.
Coding change: c.507T>A on transcript NM_005188.4 (MANE Select); coding-DNA position 507, T replaced by A.
Protein change: p.Phe169Leu; replaces phenylalanine 169 with leucine.
Molecular consequence: missense variant.
Genome position (GRCh38, 1-based): chr11:119,271,798, T>A. VCF-style: chr11-119271798-T-A. GRCh37 (hg19) VCF-style: chr11-119142508-T-A.
Other names: short protein forms F169L.
Identifiers: ClinVar variation 4827376 (VCV004827376.1).